The following is an entry in ClinVar:

ClinVar aggregate classification (germline): Uncertain significance (1 of 4 stars; one submission).

Conditions:
Autosomal dominant limb-girdle muscular dystrophy type 1F (LGMDD2). Also called: Limb-girdle muscular dystrophy, type 1F; MUSCULAR DYSTROPHY, LIMB-GIRDLE, AUTOSOMAL DOMINANT 2. Identifiers: Orphanet 55595, MedGen C1842062, MONDO:0012034, OMIM 608423.

gnomAD v4.1: 2 of 1,612,520 alleles (0.00012%); highest among the groups gnomAD compares: Middle Eastern, 0.017%; no homozygotes.

Submission:

Labcorp Genetics (formerly Invitae), Labcorp
Classification: Uncertain significance for Autosomal dominant limb-girdle muscular dystrophy type 1F. Last evaluated: 2025-04-30. Review status: criteria provided, single submitter. Criteria: Invitae Variant Classification Sherloc (09022015). Collection method: clinical testing. Allele origin: germline.
Comment: This sequence change replaces valine, which is neutral and non-polar, with isoleucine, which is neutral and non-polar, at codon 231 of the TNPO3 protein (p.Val231Ile). This variant is present in population databases (rs778415402, gnomAD 0.004%). This variant has not been reported in the literature in individuals affected with TNPO3-related conditions. Invitae Evidence Modeling of protein sequence and biophysical properties (such as structural, functional, and spatial information, amino acid conservation, physicochemical variation, residue mobility, and thermodynamic stability) indicates that this missense variant is not expected to disrupt TNPO3 protein function with a negative predictive value of 80%. In summary, the available evidence is currently insufficient to determine the role of this variant in disease. Therefore, it has been classified as a Variant of Uncertain Significance.

NM_012470.4(TNPO3):c.691G>A (p.Val231Ile)

Gene: TNPO3 (transportin 3; minus strand). Cytogenetic location: 7q32.1.
Variant type: single nucleotide variant.
Coding change: c.691G>A on transcript NM_012470.4 (MANE Select); coding-DNA position 691, G replaced by A.
Protein change: p.Val231Ile; replaces valine 231 with isoleucine.
Molecular consequence: missense variant. On other transcripts: non-coding transcript variant (18), intron variant (1).
Genome position (GRCh38, 1-based): chr7:129,005,021, C>T on the plus strand (G>A on the coding strand, the complement: TNPO3 is on the minus strand). VCF-style: chr7-129005021-C-T. GRCh37 (hg19) VCF-style: chr7-128645075-C-T.
Other names: c.691G>A, p.Val231Ile (NM_001191028.3, NM_001382216.1, NM_001382218.1 and 4 more transcripts); c.772G>A, p.Val258Ile (NM_001382217.1); c.553-3787G>A (NM_001382221.1); short protein forms V258I, V231I.
Identifiers: ClinVar variation 4708860 (VCV004708860.1).